The following is an entry in ClinVar:

ClinVar aggregate classification (germline): Uncertain significance. Review status: criteria provided, multiple submitters, no conflicts (2 of 4 stars). 2 submissions from 2 submitters: Uncertain significance (2). Last evaluated 2025-10-23.

Conditions:
Bethlem myopathy 1A. Also called: Bethlem myopathy 1; Bethlem Muscular Dystrophy; MYOPATHY, BENIGN CONGENITAL, WITH CONTRACTURES. Identifiers: Orphanet 610, MedGen CN029274, MONDO:0024530, OMIM 158810.

Allele frequency attached by ClinVar (database versions not stated): gnomAD exomes below 0.00001.

Submissions (2):

Labcorp Genetics (formerly Invitae), Labcorp
Classification: Uncertain significance for Bethlem myopathy 1A. Last evaluated: 2025-10-23. Review status: criteria provided, single submitter. Criteria: Invitae Variant Classification Sherloc (09022015). Collection method: clinical testing. Allele origin: germline.
Comment: This sequence change falls in intron 16 of the COL6A3 gene. It does not directly change the encoded amino acid sequence of the COL6A3 protein. This variant is present in population databases (rs398124127, gnomAD 0.0009%). This variant has not been reported in the literature in individuals affected with COL6A3-related conditions. ClinVar contains an entry for this variant (Variation ID: 94958). Algorithms developed to predict the effect of sequence changes on RNA splicing suggest that this variant may disrupt the consensus splice site. In summary, the available evidence is currently insufficient to determine the role of this variant in disease. Therefore, it has been classified as a Variant of Uncertain Significance.

Eurofins Ntd Llc (ga)
Classification: Uncertain significance. Last evaluated: 2017-06-07. Review status: criteria provided, single submitter. Criteria: EGL Classification Definitions 2015. Collection method: clinical testing. Allele origin: germline. Observed: 2 variant alleles, 2 heterozygotes.

NM_004369.4(COL6A3):c.6211-4A>G

Gene: COL6A3 (collagen type VI alpha 3 chain; minus strand). Cytogenetic location: 2q37.3.
Variant type: single nucleotide variant.
Coding change: c.6211-4A>G on transcript NM_004369.4 (MANE Select); 4 bases into the intron before coding-DNA position 6211, A replaced by G.
Molecular consequence: intron variant.
Genome position (GRCh38, 1-based): chr2:237,360,163, T>C on the plus strand (A>G on the coding strand, the complement: COL6A3 is on the minus strand). VCF-style: chr2-237360163-T-C. GRCh37 (hg19) VCF-style: chr2-238268806-T-C.
Other names: c.4390-4A>G (NM_057166.5); c.5593-4A>G (NM_057167.4).
Identifiers: ClinVar variation 94958 (VCV000094958.13), dbSNP rs398124127, ClinGen allele CA222637.